The following is an entry in ClinVar:

ClinVar aggregate classification (germline): Uncertain significance (1 of 4 stars; one submission).

Submission:

Women's Health and Genetics/Laboratory Corporation of America, LabCorp
Classification: Uncertain significance. Last evaluated: 2025-07-22. Review status: criteria provided, single submitter. Criteria: LabCorp Variant Classification Summary - May 2015. Collection method: clinical testing. Allele origin: germline.
Comment: Variant summary: ASL c.1301T>G (p.Val434Gly) results in a non-conservative amino acid change in the encoded protein sequence. Algorithms developed to predict the effect of missense changes on protein structure and function all suggest that this variant is likely to be disruptive. The variant was absent in 250856 control chromosomes. The available data on variant occurrences in the general population are insufficient to allow any conclusion about variant significance. To our knowledge, no occurrence of c.1301T>G in individuals affected with Argininosuccinic Aciduria and no experimental evidence demonstrating its impact on protein function have been reported. No submitters have cited clinical-significance assessments for this variant to ClinVar. Based on the evidence outlined above, the variant was classified as uncertain significance.

NM_000048.4(ASL):c.1301T>G (p.Val434Gly)

Gene: ASL (argininosuccinate lyase; plus strand). Cytogenetic location: 7q11.21.
Variant type: single nucleotide variant.
Coding change: c.1301T>G on transcript NM_000048.4 (MANE Select); coding-DNA position 1301, T replaced by G.
Protein change: p.Val434Gly; replaces valine 434 with glycine.
Molecular consequence: missense variant.
Genome position (GRCh38, 1-based): chr7:66,092,818, T>G. VCF-style: chr7-66092818-T-G. GRCh37 (hg19) VCF-style: chr7-65557805-T-G.
Other names: c.1301T>G, p.Val434Gly (NM_001024943.2); c.1241T>G, p.Val414Gly (NM_001024944.2); c.1223T>G, p.Val408Gly (NM_001024946.2); short protein forms V408G, V414G, V434G.
Identifiers: ClinVar variation 4525696 (VCV004525696.1).
Genomic context (GRCh38, chr7:66,092,818, plus strand): 5'-CTCTCCCCAGCCCCCTGTTCTCGGGCGACGTGATCTGCGTGTGGGACTACGGGCACAGTG[T>G]GGAGCAGTATGGTGCCCTGGGCGGCACTGCGCGCTCCAGCGTCGACTGGCAGATCCGCCA-3'
Protein context (NP_000039.2, residues 424-444): VICVWDYGHS[Val434Gly]EQYGALGGTA